The following is an entry in ClinVar:

ClinVar aggregate classification (germline): Pathogenic (1 of 4 stars; one submission).

Conditions:
X-linked mixed hearing loss with perilymphatic gusher. Also called: Deafness, X-linked 2; NANCE DEAFNESS; PERILYMPHATIC GUSHER-DEAFNESS SYNDROME; SENSORINEURAL DEAFNESS, PROFOUND, WITH OR WITHOUT A CONDUCTIVE COMPONENT, ASSOCIATED WITH A UNIQUE DEVELOPMENTAL ABNORMALITY OF THE EAR; Gusher syndrome. Identifiers: Orphanet 383, MedGen C1844678, MONDO:0010576, OMIM 304400.

Submission:

Institute of Rare Diseases, West China Hospital, Sichuan University
Classification: Pathogenic for X-linked mixed hearing loss with perilymphatic gusher. Last evaluated: 2025-01-09. Review status: criteria provided, single submitter. Criteria: ClinGen HL ACMG Specifications v1. Collection method: research. Allele origin: germline. Affected: yes.
Comment: PVS1;PM3_Supporting;PM2_Supporting

NM_000307.5(POU3F4):c.340del (p.Trp114fs)

Gene: POU3F4 (POU class 3 homeobox 4; plus strand). Cytogenetic location: Xq21.1.
Variant type: Deletion.
Coding change: c.340del on transcript NM_000307.5 (MANE Select); coding-DNA position 340, one base deleted (T; older notation c.340delT).
Protein change: p.Trp114fs; shifts the reading frame from tryptophan 114.
Molecular consequence: frameshift variant.
Genome position (GRCh38, 1-based): chrX:83,508,664, T deleted. VCF-style (leftmost placement, unchanged base first): chrX-83508663-CT-C. GRCh37 (hg19) VCF-style: chrX-82763671-CT-C.
Other names: short protein forms W114fs.
Identifiers: ClinVar variation 3601653 (VCV003601653.1).